The following is an entry in ClinVar:

NM_003227.4(TFR2):c.2084C>A (p.Ser695Ter)

Genes: TFR2 (transferrin receptor 2; minus strand), LOC113687175 (Sharpr-MPRA regulatory region 4647; plus strand). Cytogenetic location: 7q22.1.
Variant type: single nucleotide variant.
Coding change: c.2084C>A on transcript NM_003227.4 (MANE Select); coding-DNA position 2084, C replaced by A.
Protein change: p.Ser695Ter; replaces serine 695 with a stop codon.
Molecular consequence: nonsense.
Genome position (GRCh38, 1-based): chr7:100,626,815, G>T on the plus strand (C>A on the coding strand, the complement: TFR2 is on the minus strand). VCF-style: chr7-100626815-G-T. GRCh37 (hg19) VCF-style: chr7-100224438-G-T.
Other names: c.1571C>A, p.Ser524Ter (NM_001206855.3); short protein forms S524*, S695*.
Identifiers: ClinVar variation 1073275 (VCV001073275.7), dbSNP rs1188426077, ClinGen allele CA368522793.

ClinVar aggregate classification (germline): Pathogenic (1 of 4 stars; one submission).

Conditions:
Hereditary hemochromatosis (HFE). Identifiers: MedGen C0392514, MONDO:0006507. Disease mechanism: loss of function.

gnomAD v4.1: 1 of 1,549,300 alleles (0.000065%); highest among the groups gnomAD compares: Non-Finnish European, 0.000087%; no homozygotes.

Submission:

Labcorp Genetics (formerly Invitae), Labcorp
Classification: Pathogenic for Hereditary hemochromatosis. Last evaluated: 2023-05-16. Review status: criteria provided, single submitter. Criteria: Invitae Variant Classification Sherloc (09022015). Collection method: clinical testing. Allele origin: germline.
Comment: For these reasons, this variant has been classified as Pathogenic. ClinVar contains an entry for this variant (Variation ID: 1073275). This variant has not been reported in the literature in individuals affected with TFR2-related conditions. This variant is not present in population databases (gnomAD no frequency). This sequence change creates a premature translational stop signal (p.Ser695*) in the TFR2 gene. It is expected to result in an absent or disrupted protein product. Loss-of-function variants in TFR2 are known to be pathogenic (PMID: 23600741, 26029709).

Literature cited by the submitters: PubMed 23600741; PubMed 26029709.